The following is an entry in ClinVar:

NM_000059.4(BRCA2):c.794-3C>G

Gene: BRCA2 (BRCA2 DNA repair associated; plus strand). Cytogenetic location: 13q13.1.
Variant type: single nucleotide variant.
Coding change: c.794-3C>G on transcript NM_000059.4 (MANE Select); 3 bases into the intron before coding-DNA position 794, C replaced by G.
Molecular consequence: intron variant.
Genome position (GRCh38, 1-based): chr13:32,332,269, C>G. VCF-style: chr13-32332269-C-G. GRCh37 (hg19) VCF-style: chr13-32906406-C-G.
Other names: c.794-3C>G (NM_001406720.1, NM_001406719.1, NM_001406721.1); c.424+1239C>G (NM_001406722.1).
Identifiers: ClinVar variation 2451537 (VCV002451537.2), dbSNP rs1389845334, ClinGen allele CA697334558.

ClinVar aggregate classification (germline): Uncertain significance (1 of 4 stars; one submission).

Conditions:
Hereditary cancer-predisposing syndrome. Also called: Neoplastic Syndromes, Hereditary; Tumor predisposition; Hereditary neoplastic syndrome; Hereditary Cancer Syndrome. Identifiers: Orphanet 140162, MedGen C0027672, MeSH D009386, MONDO:0015356.

Allele frequency attached by ClinVar (database versions not stated): gnomAD 0.00001.
gnomAD v4.1: 2 of 1,595,992 alleles (0.00013%); highest among the groups gnomAD compares: Admixed American, 0.0017%; no homozygotes.

Submission:

Ambry Genetics
Classification: Uncertain significance for Hereditary cancer-predisposing syndrome. Last evaluated: 2023-01-29. Review status: criteria provided, single submitter. Criteria: Ambry Variant Classification Scheme 2023. Collection method: clinical testing. Allele origin: germline.
Comment: The c.794-3C>G intronic variant results from a C to G substitution 3 nucleotides upstream from coding exon 9 in the BRCA2 gene. This nucleotide position is not well conserved in available vertebrate species. In silico splice site analysis predicts that this alteration may weaken the native splice acceptor site and will result in the creation or strengthening of a novel splice acceptor site; however, direct evidence is insufficient at this time (Ambry internal data). Since supporting evidence is limited at this time, the clinical significance of this alteration remains unclear.